The following is an entry in ClinVar:

ClinVar aggregate classification (germline): Uncertain significance (1 of 4 stars; one submission).

Submission:

GeneDx
Classification: Uncertain significance. Last evaluated: 2024-12-18. Review status: criteria provided, single submitter. Criteria: GeneDx Variant Classification Process June 2021. Collection method: clinical testing. Allele origin: germline. Affected: yes.
Comment: Not observed at significant frequency in large population cohorts (gnomAD); In silico analysis supports that this missense variant has a deleterious effect on protein structure/function; Has not been previously published as pathogenic or benign to our knowledge

NM_014225.6(PPP2R1A):c.508T>C (p.Phe170Leu)

Gene: PPP2R1A (protein phosphatase 2 scaffold subunit Aalpha; plus strand). Cytogenetic location: 19q13.41.
Variant type: single nucleotide variant.
Coding change: c.508T>C on transcript NM_014225.6 (MANE Select); coding-DNA position 508, T replaced by C.
Protein change: p.Phe170Leu; replaces phenylalanine 170 with leucine.
Molecular consequence: missense variant. On other transcripts: 5 prime UTR variant (1), non-coding transcript variant (1).
Genome position (GRCh38, 1-based): chr19:52,212,690, T>C. VCF-style: chr19-52212690-T-C. GRCh37 (hg19) VCF-style: chr19-52715943-T-C.
Other names: c.-30T>C (NM_001363656.2); short protein forms F170L.
Identifiers: ClinVar variation 3907810 (VCV003907810.1).